The following is an entry in ClinVar:

NM_213720.3(CHCHD10):c.206T>G (p.Leu69Arg)

Gene: CHCHD10 (coiled-coil-helix-coiled-coil-helix domain containing 10; minus strand). Cytogenetic location: 22q11.23.
Variant type: single nucleotide variant.
Coding change: c.206T>G on transcript NM_213720.3 (MANE Select); coding-DNA position 206, T replaced by G.
Protein change: p.Leu69Arg; replaces leucine 69 with arginine.
Molecular consequence: missense variant. On other transcripts: non-coding transcript variant (1).
Genome position (GRCh38, 1-based): chr22:23,767,429, A>C on the plus strand (T>G on the coding strand, the complement: CHCHD10 is on the minus strand). VCF-style: chr22-23767429-A-C. GRCh37 (hg19) VCF-style: chr22-24109616-A-C.
Other names: c.206T>G, p.Leu69Arg (NM_001301339.2); short protein forms L69R.
Identifiers: ClinVar variation 4792056 (VCV004792056.1).
Genomic context (GRCh38, chr22:23,767,429, plus strand): 5'-CTCACCTGCTGGACAGCAGGCTGGGAGGGCTCCGAGCTCCCCCCGCTGAAGGCTCCGGTC[A>C]GGGCGCTGCCCATGACGTGTCCCACAGCCGAGCCCACGGCTACCCCTGCGGCCGTGGTCG-3'
Protein context (NP_998885.1, residues 59-79): SAVGHVMGSA[Leu69Arg]TGAFSGGSSE

ClinVar aggregate classification (germline): Uncertain significance (1 of 4 stars; one submission).

Conditions:
Lower motor neuron syndrome with late-adult onset (SMAJ). Also called: Spinal muscular atrophy, Jokela type; Late-Onset Spinal Motor Neuronopathy (SMAJ). Identifiers: Orphanet 276435, MedGen C3554398, MONDO:0014025, OMIM 615048.
Frontotemporal dementia and/or amyotrophic lateral sclerosis 2. Also called: FTDALS2. Identifiers: Orphanet 275872, MedGen C4014648, MONDO:0014395, OMIM 615911.
Autosomal dominant mitochondrial myopathy with exercise intolerance (IMMD). Also called: Myopathy, isolated mitochondrial, autosomal dominant. Identifiers: Orphanet 457050, MedGen C4015513, MONDO:0014532, OMIM 616209.

Submission:

Labcorp Genetics (formerly Invitae), Labcorp
Classification: Uncertain significance for Lower motor neuron syndrome with late-adult onset; Frontotemporal dementia and/or amyotrophic lateral sclerosis 2; Autosomal dominant mitochondrial myopathy with exercise intolerance. Last evaluated: 2026-01-26. Review status: criteria provided, single submitter. Criteria: Invitae Variant Classification Sherloc (09022015). Collection method: clinical testing. Allele origin: germline.
Comment: This sequence change replaces leucine, which is neutral and non-polar, with arginine, which is basic and polar, at codon 69 of the CHCHD10 protein (p.Leu69Arg). This variant is present in population databases (rs765115592, gnomAD 0.008%). This variant has not been reported in the literature in individuals affected with CHCHD10-related conditions. An algorithm developed to predict the effect of missense changes on protein structure and function (PolyPhen-2) suggests that this variant is likely to be disruptive. In summary, the available evidence is currently insufficient to determine the role of this variant in disease. Therefore, it has been classified as a Variant of Uncertain Significance.